The following is an entry in ClinVar:

ClinVar aggregate classification (germline): Uncertain significance. Review status: criteria provided, multiple submitters, no conflicts (2 of 4 stars). 3 submissions from 3 submitters: Uncertain significance (3). Last evaluated 2022-05-29.

Conditions:
Glycogen storage disease, type V (GSD5). Also called: McArdle type glycogen storage disease; MCARDLE DISEASE; MUSCLE GLYCOGEN PHOSPHORYLASE DEFICIENCY; MYOPHOSPHORYLASE DEFICIENCY; PYGM DEFICIENCY. Identifiers: Orphanet 368, MedGen C0017924, MONDO:0009293, OMIM 232600.

Allele frequency attached by ClinVar (database versions not stated): gnomAD exomes 0.00001 and 0.00002; ExAC 0.00002; TOPMed 0.00003; gnomAD 0.00004; 1000 Genomes Project 30x 0.00016; 1000 Genomes Project 0.00020.

Submissions (3):

Labcorp Genetics (formerly Invitae), Labcorp
Classification: Uncertain significance for Glycogen storage disease, type V. Last evaluated: 2022-05-29. Review status: criteria provided, single submitter. Criteria: Invitae Variant Classification Sherloc (09022015). Collection method: clinical testing. Allele origin: germline.
Comment: This sequence change replaces arginine, which is basic and polar, with histidine, which is basic and polar, at codon 44 of the PYGM protein (p.Arg44His). This variant is present in population databases (rs567482511, gnomAD 0.02%). This variant has not been reported in the literature in individuals affected with PYGM-related conditions. ClinVar contains an entry for this variant (Variation ID: 283419). Algorithms developed to predict the effect of missense changes on protein structure and function are either unavailable or do not agree on the potential impact of this missense change (SIFT: "Not Available"; PolyPhen-2: "Probably Damaging"; Align-GVGD: "Not Available"). In summary, the available evidence is currently insufficient to determine the role of this variant in disease. Therefore, it has been classified as a Variant of Uncertain Significance.

Revvity Omics, Revvity
Classification: Uncertain significance for Glycogen storage disease, type V. Last evaluated: 2019-10-30. Review status: criteria provided, single submitter. Criteria: ACMG Guidelines, 2015. Collection method: clinical testing. Allele origin: germline.

Eurofins Ntd Llc (ga)
Classification: Uncertain significance. Last evaluated: 2015-09-16. Review status: criteria provided, single submitter. Criteria: EGL Classification Definitions 2015. Collection method: clinical testing. Allele origin: germline. Observed: 1 variant allele, 1 heterozygote.

NM_005609.4(PYGM):c.131G>A (p.Arg44His)

Gene: PYGM (glycogen phosphorylase, muscle associated; minus strand). Cytogenetic location: 11q13.1.
Variant type: single nucleotide variant.
Coding change: c.131G>A on transcript NM_005609.4 (MANE Select); coding-DNA position 131, G replaced by A.
Protein change: p.Arg44His; replaces arginine 44 with histidine.
Molecular consequence: missense variant.
Genome position (GRCh38, 1-based): chr11:64,759,768, C>T on the plus strand (G>A on the coding strand, the complement: PYGM is on the minus strand). VCF-style: chr11-64759768-C-T. GRCh37 (hg19) VCF-style: chr11-64527240-C-T.
Other names: c.131G>A, p.Arg44His (NM_001164716.1); c.131G>A (NM_005609.2); short protein forms R44H.
Identifiers: ClinVar variation 283419 (VCV000283419.9), dbSNP rs567482511, ClinGen allele CA6080365.